The following is an entry in ClinVar:

ClinVar aggregate classification (germline): Likely pathogenic (1 of 4 stars; one submission).

Conditions:
Ethylmalonic encephalopathy (EE). Also called: EPEMA syndrome; Encephalopathy, petechiae, and ethylmalonic aciduria; Syndrome of encephalopathy, petechiae, and ethylmalonic aciduria. Identifiers: Orphanet 51188, MedGen C1865349, MONDO:0011229, OMIM 602473. Disease mechanism: loss of function.

Submission:

Natera, Inc.
Classification: Likely pathogenic for Ethylmalonic encephalopathy. Last evaluated: 2024-11-14. Review status: criteria provided, single submitter. Criteria: Natera Variant Classification Schema (03/2026). Collection method: clinical testing. Allele origin: germline.
Comment: The c.499C>T variant in ETHE1 is a nonsense variant predicted to introduce a stop codon at amino acid 167. This variant is expected to result in nonsense mediated decay, truncation, or a dysfunctional protein product. This variant is rare in the general population with a frequency below the threshold expected for the associated phenotype(s). Given the available evidence, this variant is classified as Likely Pathogenic.

NM_014297.5(ETHE1):c.499C>T (p.Gln167Ter)

Gene: ETHE1 (ETHE1 persulfide dioxygenase; minus strand). Cytogenetic location: 19q13.31.
Variant type: single nucleotide variant.
Coding change: c.499C>T on transcript NM_014297.5 (MANE Select); coding-DNA position 499, C replaced by T.
Protein change: p.Gln167Ter; replaces glutamine 167 with a stop codon.
Molecular consequence: nonsense.
Genome position (GRCh38, 1-based): chr19:43,511,443, G>A on the plus strand (C>T on the coding strand, the complement: ETHE1 is on the minus strand). VCF-style: chr19-43511443-G-A. GRCh37 (hg19) VCF-style: chr19-44015595-G-A.
Other names: c.466C>T, p.Gln156Ter (NM_001320867.2); c.130C>T, p.Gln44Ter (NM_001320868.2); c.205C>T, p.Gln69Ter (NM_001320869.2); short protein forms Q156*, Q167*, Q44*, Q69*.
Identifiers: ClinVar variation 4815661 (VCV004815661.1).